The following is an entry in ClinVar:

NM_021926.4(ALX4):c.*2479T>C

Gene: ALX4 (ALX homeobox 4; minus strand). Cytogenetic location: 11p11.2.
Variant type: single nucleotide variant.
Coding change: c.*2479T>C on transcript NM_021926.4 (MANE Select); 2479 bases downstream of the stop codon, T replaced by C.
Molecular consequence: 3 prime UTR variant.
Genome position (GRCh38, 1-based): chr11:44,262,375, A>G on the plus strand (T>C on the coding strand, the complement: ALX4 is on the minus strand). VCF-style: chr11-44262375-A-G. GRCh37 (hg19) VCF-style: chr11-44283925-A-G.
Other names: c.*2479T>C (LRG_1256t1).
Identifiers: ClinVar variation 304638 (VCV000304638.6), dbSNP rs897004, ClinGen allele CA10630877.
Genomic context (GRCh38, chr11:44,262,375, plus strand): 5'-TGGGCCAAGCCACAGAGGACAGGCCTGGGGTACGTGGCTGCCTTTGACGAGATGAACAGG[A>G]ATGTTTCACATTGGCATGTTTAATCCTAGACACTTCCTGGGTGTGTTGGGACAGGCAGCC-3'

ClinVar aggregate classification (germline): Benign. Review status: criteria provided, multiple submitters, no conflicts (2 of 4 stars). 2 submissions from 2 submitters: Benign (2). Last evaluated 2018-01-12.

Conditions:
Parietal foramina 2 (PFM2). Identifiers: Orphanet 60015, MedGen C1865044, MONDO:0012309, OMIM 609597.

Allele frequency attached by ClinVar (database versions not stated): gnomAD 0.26627 and 0.26076; TOPMed 0.26699; 1000 Genomes Project 30x 0.30981; 1000 Genomes Project 0.31150; gnomAD exomes 0.33784.
gnomAD v4.1: 40,648 of 152,198 alleles (27%); highest among the groups gnomAD compares: Admixed American, 42%; 6,295 homozygotes.

Submissions (2):

Illumina Laboratory Services, Illumina
Classification: Benign for Parietal foramina 2. Last evaluated: 2018-01-12. Review status: criteria provided, single submitter. Criteria: ICSL Variant Classification Criteria 13 December 2019. Collection method: clinical testing. Allele origin: germline.
Comment: This variant was observed in the ICSL laboratory as part of a predisposition screen in an ostensibly healthy population. It had not been previously curated by ICSL or reported in the Human Gene Mutation Database (HGMD: prior to June 1st, 2018), and was therefore a candidate for classification through an automated scoring system. Utilizing variant allele frequency, disease prevalence and penetrance estimates, and inheritance mode, an automated score was calculated to assess if this variant is too frequent to cause the disease. Based on the score and internal cut-off values, a variant classified as benign is not then subjected to further curation. The score for this variant resulted in a classification of benign for this disease.

Breakthrough Genomics
Classification: Benign. Review status: criteria provided, single submitter. Criteria: ACMG Guidelines, 2015. Collection method: not provided. Allele origin: germline. Inheritance: Autosomal recessive inheritance. Affected: yes.